The following is an entry in ClinVar:

NM_001270.4(CHD1):c.1895A>T (p.Asp632Val)

Gene: CHD1 (chromodomain helicase DNA binding protein 1; minus strand). Cytogenetic location: 5q15.
Variant type: single nucleotide variant.
Coding change: c.1895A>T on transcript NM_001270.4 (MANE Select); coding-DNA position 1895, A replaced by T.
Protein change: p.Asp632Val; replaces aspartic acid 632 with valine.
Molecular consequence: missense variant. On other transcripts: non-coding transcript variant (2).
Genome position (GRCh38, 1-based): chr5:98,893,512, T>A on the plus strand (A>T on the coding strand, the complement: CHD1 is on the minus strand). VCF-style: chr5-98893512-T-A. GRCh37 (hg19) VCF-style: chr5-98229216-T-A.
Other names: c.1895A>T, p.Asp632Val (NM_001364113.3, NM_001376194.2); short protein forms D632V.
Identifiers: ClinVar variation 3391603 (VCV003391603.1).
Genomic context (GRCh38, chr5:98,893,512, plus strand): 5'-TCTTTGAGGGAATTCTGTAGAGGAGTTCCAGTGATAAGGAGACGATGATTGGATTTAAAA[T>A]CTATTAAAGTTTTATACAGAAGGGAGTCATCATTCTTTAATCGGTGTGCTTCATCAACAC-3'
Protein context (NP_001261.2, residues 622-642): DDSLLYKTLI[Asp632Val]FKSNHRLLIT

ClinVar aggregate classification (germline): Uncertain significance (1 of 4 stars; one submission).

Submission:

GeneDx
Classification: Uncertain significance. Last evaluated: 2024-06-17. Review status: criteria provided, single submitter. Criteria: GeneDx Variant Classification Process June 2021. Collection method: clinical testing. Allele origin: germline. Affected: yes.
Comment: Not observed at significant frequency in large population cohorts (gnomAD); In silico analysis supports that this missense variant has a deleterious effect on protein structure/function; Has not been previously published as pathogenic or benign to our knowledge